The following is an entry in ClinVar:

ClinVar aggregate classification (germline): Uncertain significance (1 of 4 stars; one submission).

gnomAD v4.1: 1 of 1,614,162 alleles (0.000062%); highest among the groups gnomAD compares: African/African-American, 0.0013%; no homozygotes.

Submission:

Labcorp Genetics (formerly Invitae), Labcorp
Classification: Uncertain significance. Last evaluated: 2022-08-06. Review status: criteria provided, single submitter. Criteria: Invitae Variant Classification Sherloc (09022015). Collection method: clinical testing. Allele origin: germline.
Comment: This sequence change replaces isoleucine, which is neutral and non-polar, with methionine, which is neutral and non-polar, at codon 452 of the HPSE2 protein (p.Ile452Met). This variant is present in population databases (rs545620798, gnomAD 0.0009%). This variant has not been reported in the literature in individuals affected with HPSE2-related conditions. Algorithms developed to predict the effect of missense changes on protein structure and function are either unavailable or do not agree on the potential impact of this missense change (SIFT: "Deleterious"; PolyPhen-2: "Possibly Damaging"; Align-GVGD: "Class C0"). In summary, the available evidence is currently insufficient to determine the role of this variant in disease. Therefore, it has been classified as a Variant of Uncertain Significance.

NM_021828.5(HPSE2):c.1356C>G (p.Ile452Met)

Gene: HPSE2 (heparanase 2 (inactive); minus strand). Cytogenetic location: 10q24.2.
Variant type: single nucleotide variant.
Coding change: c.1356C>G on transcript NM_021828.5 (MANE Select); coding-DNA position 1356, C replaced by G.
Protein change: p.Ile452Met; replaces isoleucine 452 with methionine.
Molecular consequence: missense variant.
Genome position (GRCh38, 1-based): chr10:98,490,161, G>C on the plus strand (C>G on the coding strand, the complement: HPSE2 is on the minus strand). VCF-style: chr10-98490161-G-C. GRCh37 (hg19) VCF-style: chr10-100249918-G-C.
Other names: c.1182C>G, p.Ile394Met (NM_001166244.1); c.1020C>G, p.Ile340Met (NM_001166245.1); c.1356C>G, p.Ile452Met (NM_001166246.1); short protein forms I340M, I452M, I394M.
Identifiers: ClinVar variation 1922857 (VCV001922857.5), dbSNP rs545620798, ClinGen allele CA5639724.